The following is an entry in ClinVar:

NM_025163.4(PIGZ):c.345G>A (p.Pro115=)

Gene: PIGZ (phosphatidylinositol glycan anchor biosynthesis class Z (Gwada blood group); minus strand). Cytogenetic location: 3q29.
Variant type: single nucleotide variant.
Coding change: c.345G>A on transcript NM_025163.4 (MANE Select); coding-DNA position 345, G replaced by A.
Protein change: p.Pro115=; no amino-acid change (proline 115 retained).
Molecular consequence: synonymous variant.
Genome position (GRCh38, 1-based): chr3:196,948,552, C>T on the plus strand (G>A on the coding strand, the complement: PIGZ is on the minus strand). VCF-style: chr3-196948552-C-T. GRCh37 (hg19) VCF-style: chr3-196675423-C-T.
Identifiers: ClinVar variation 2654519 (VCV002654519.24), dbSNP rs565415578, ClinGen allele CA2783968.

ClinVar aggregate classification (germline): Likely benign (1 of 4 stars; one submission).

Allele frequency attached by ClinVar (database versions not stated): gnomAD 0.00005; ExAC 0.00011; 1000 Genomes Project 30x 0.00016; 1000 Genomes Project 0.00020.
gnomAD v4.1: 72 of 1,602,982 alleles (0.0045%); highest among the groups gnomAD compares: East Asian, 0.056%; no homozygotes.

Submission:

CeGaT Center for Human Genetics Tuebingen
Classification: Likely benign. Last evaluated: 2022-12-01. Review status: criteria provided, single submitter. Criteria: CeGaT Center For Human Genetics Tuebingen Variant Classification Criteria Version 2. Collection method: clinical testing. Allele origin: germline. Affected: yes. Observed: 1 variant allele.
Comment: PIGZ: BP4, BP7